The following is an entry in ClinVar:

ClinVar aggregate classification (germline): Uncertain significance. Review status: criteria provided, multiple submitters, no conflicts (2 of 4 stars). 7 submissions from 6 submitters: Uncertain significance (7). Last evaluated 2025-08-09.

Conditions:
Inborn genetic diseases. Identifiers: MedGen C0950123, MeSH D030342.
Charcot-Marie-Tooth disease axonal type 2O. Also called: CHARCOT-MARIE-TOOTH NEUROPATHY, AXONAL, TYPE 2O; CHARCOT-MARIE-TOOTH DISEASE, AXONAL, AUTOSOMAL DOMINANT, TYPE 2O; Charcot-Marie-Tooth disease, axonal, type 20; Charcot-Marie-Tooth Neuropathy Type 2O. Identifiers: Orphanet 284232, MedGen C3280220, MONDO:0013644, OMIM 614228.
Cortical dysplasia, complex, with other brain malformations 13. Also called: Intellectual disability, autosomal dominant 13. Identifiers: MedGen C3281202, MONDO:0013805, OMIM 614563.
Autosomal dominant childhood-onset proximal spinal muscular atrophy without contractures. Also called: KUGELBERG-WELANDER SYNDROME, AUTOSOMAL DOMINANT; SPINAL MUSCULAR ATROPHY, JUVENILE, PROXIMAL, AUTOSOMAL DOMINANT; SPINAL MUSCULAR ATROPHY, CHILDHOOD, PROXIMAL, AUTOSOMAL DOMINANT; Spinal muscular atrophy, lower extremity-predominant 1, AD. Identifiers: Orphanet 209341, Orphanet 363447, MedGen C5780022, MONDO:0008026, OMIM 158600.
Autosomal dominant cerebellar ataxia. Also called: Spinocerebellar Ataxia, Dominant. Identifiers: Orphanet 99, MedGen C4087347, MONDO:0020380.

Allele frequency attached by ClinVar (database versions not stated): gnomAD exomes below 0.00001; gnomAD 0.00001; TOPMed 0.00001.
gnomAD v4.1: 7 of 1,613,764 alleles (0.00043%); highest among the groups gnomAD compares: South Asian, 0.0022%; no homozygotes.

Submissions (7):

GeneDx
Classification: Uncertain significance. Last evaluated: 2025-08-09. Review status: criteria provided, single submitter. Criteria: GeneDx Variant Classification Process June 2021. Collection method: clinical testing. Allele origin: germline. Affected: yes.
Comment: In silico analysis supports that this missense variant has a deleterious effect on protein structure/function; Has not been previously published as pathogenic or benign to our knowledge; This variant is associated with the following publications: (PMID: 25512093, 25609763, 26100331)

Labcorp Genetics (formerly Invitae), Labcorp
Classification: Uncertain significance for Charcot-Marie-Tooth disease axonal type 2O. Last evaluated: 2024-09-30. Review status: criteria provided, single submitter. Criteria: Invitae Variant Classification Sherloc (09022015). Collection method: clinical testing. Allele origin: germline.
Comment: This sequence change replaces threonine, which is neutral and polar, with methionine, which is neutral and non-polar, at codon 4561 of the DYNC1H1 protein (p.Thr4561Met). This variant is present in population databases (no rsID available, gnomAD 0.003%). This variant has not been reported in the literature in individuals affected with DYNC1H1-related conditions. ClinVar contains an entry for this variant (Variation ID: 882555). An algorithm developed to predict the effect of missense changes on protein structure and function (PolyPhen-2) suggests that this variant is likely to be tolerated. In summary, the available evidence is currently insufficient to determine the role of this variant in disease. Therefore, it has been classified as a Variant of Uncertain Significance.

ARUP Laboratories, Molecular Genetics and Genomics, ARUP Laboratories
Classification: Uncertain significance. Last evaluated: 2023-12-19. Review status: criteria provided, single submitter. Criteria: ARUP Molecular Germline Variant Investigation Process 2024. Collection method: clinical testing. Allele origin: germline.

New York Genome Center
Classification: Uncertain significance for Cortical dysplasia, complex, with other brain malformations 13; Autosomal dominant childhood-onset proximal spinal muscular atrophy without contractures; Charcot-Marie-Tooth disease axonal type 2O. Last evaluated: 2021-08-12. Review status: criteria provided, single submitter. Criteria: NYGC Assertion Criteria 2020. Collection method: clinical testing. Allele origin: germline. Observed: 1 heterozygote. Study: CSER-NYCKidSeq.
Comment: The c.13682C>T (p.Thr4561Met) variant identified in the DYNC1H1 gene substitutes a conserved Threonine for Methionine at amino acid 4561/4647(exon 76/78). This variant is found with low frequency in gnomAD(v3.1.1)(1 heterozygote, 0 homozygote; allele frequency: 6.57e-6) suggesting it is not a common benign variant in the populations represented in that database. In silico algorithms predict this variant to be Damaging (SIFT; score:0.033) and Benign (REVEL;score:0.1099) to the function of the canonical transcript. This variant is reported as a Variant of Uncertain Significance in ClinVar (VarID:882555), and to our current knowledge has not been reported in affected individuals in the literature. The p.Thr4561 residue is not within a mapped domain of DYNC1H1 (UniProtKB:Q14204). Given the lack of compelling evidence for its pathogenicity, the c.13682C>T (p.Thr4561Met) variant identified in the DYNC1H1 gene is reported as a Variant of Uncertain Significance.

Illumina Laboratory Services, Illumina
Classification: Uncertain significance for Charcot-Marie-Tooth disease axonal type 2O. Last evaluated: 2018-01-12. Review status: criteria provided, single submitter. Criteria: ICSL Variant Classification Criteria 13 December 2019. Collection method: clinical testing. Allele origin: germline.

Illumina Laboratory Services, Illumina
Classification: Uncertain significance for Spinocerebellar Ataxia, Dominant. Last evaluated: 2018-01-12. Review status: criteria provided, single submitter. Criteria: ICSL Variant Classification Criteria 13 December 2019. Collection method: clinical testing. Allele origin: germline.

Ambry Genetics
Classification: Uncertain significance for Inborn genetic diseases. Last evaluated: 2017-12-18. Review status: criteria provided, single submitter. Criteria: Ambry Variant Classification Scheme 2023. Collection method: clinical testing. Allele origin: germline.
Comment: The p.T4561M variant (also known as c.13682C>T), located in coding exon 76 of the DYNC1H1 gene, results from a C to T substitution at nucleotide position 13682. The threonine at codon 4561 is replaced by methionine, an amino acid with similar properties. This amino acid position is not well conserved in available vertebrate species. In addition, this alteration is predicted to be tolerated by in silico analysis. Since supporting evidence is limited at this time, the clinical significance of this alteration remains unclear.

NM_001376.5(DYNC1H1):c.13682C>T (p.Thr4561Met)

Gene: DYNC1H1 (dynein cytoplasmic 1 heavy chain 1; plus strand). Cytogenetic location: 14q32.31.
Variant type: single nucleotide variant.
Coding change: c.13682C>T on transcript NM_001376.5 (MANE Select); coding-DNA position 13682, C replaced by T.
Protein change: p.Thr4561Met; replaces threonine 4561 with methionine.
Molecular consequence: missense variant.
Genome position (GRCh38, 1-based): chr14:102,049,880, C>T. VCF-style: chr14-102049880-C-T. GRCh37 (hg19) VCF-style: chr14-102516217-C-T.
Other names: short protein forms T4561M.
Identifiers: ClinVar variation 882555 (VCV000882555.16), dbSNP rs1376784009, ClinGen allele CA391051019.